The following is an entry in ClinVar:

NM_001244008.2(KIF1A):c.553G>A (p.Ala185Thr)

Gene: KIF1A (kinesin family member 1A; minus strand). Cytogenetic location: 2q37.3.
Variant type: single nucleotide variant.
Coding change: c.553G>A on transcript NM_001244008.2 (MANE Select); coding-DNA position 553, G replaced by A.
Protein change: p.Ala185Thr; replaces alanine 185 with threonine.
Molecular consequence: missense variant.
Genome position (GRCh38, 1-based): chr2:240,786,390, C>T on the plus strand (G>A on the coding strand, the complement: KIF1A is on the minus strand). VCF-style: chr2-240786390-C-T. GRCh37 (hg19) VCF-style: chr2-241725807-C-T.
Other names: c.553G>A, p.Ala185Thr (NM_001379642.1, NM_001379645.1, NM_001379646.1 and 20 more transcripts); short protein forms A185T.
Identifiers: ClinVar variation 4875244 (VCV004875244.2).
Genomic context (GRCh38, chr2:240,786,390, plus strand): 5'-CCCACCTGGCCTTGTTCCCTGAGTCCATGAGGTCCTGGATGTCATTGTAGGAGGTGACAG[C>T]CAGCTTGGAGAGGTCCTCCACGTAGGGCCCCAGCAGTGGGTGCTCCCTCACGCGAAGGTT-3'
Protein context (NP_001230937.1, residues 175-195): GPYVEDLSKL[Ala185Thr]VTSYNDIQDL

ClinVar aggregate classification (germline): Likely pathogenic (1 of 4 stars; one submission).

gnomAD v4.1: 1 of 1,613,566 alleles (0.000062%); highest among the groups gnomAD compares: Non-Finnish European, 0.000085%; no homozygotes.

Submission:

CeGaT Center for Human Genetics Tuebingen
Classification: Likely pathogenic. Last evaluated: 2026-06-01. Review status: criteria provided, single submitter. Criteria: CeGaT Center For Human Genetics Tuebingen Variant Classification Criteria Version 2. Collection method: clinical testing. Allele origin: germline. Affected: yes. Observed: 1 variant allele.
Comment: KIF1A: PM1, PM2, PP2, PP3